The following is an entry in ClinVar:

ClinVar aggregate classification (germline): Uncertain significance (1 of 4 stars; one submission).

Submission:

Women's Health and Genetics/Laboratory Corporation of America, LabCorp
Classification: Uncertain significance. Last evaluated: 2023-11-08. Review status: criteria provided, single submitter. Criteria: LabCorp Variant Classification Summary - May 2015. Collection method: clinical testing. Allele origin: germline.
Comment: Variant summary: The variant involves the duplication of exon 24 in the CFTR gene. A presumed nomenclature of c.(3873+1_3874-1)_(3963+1_3964-1)dup has been designated for the purposes of this classification. It is assumed to be a tandem duplication in direct orientation (Richardson_GIM_2018, Newman_AJHG_2015). This Copy Number Variant (CNV) is predicted to result in an in-frame duplication within this gene. The variant was absent in 21694 control chromosomes. The available data on variant occurrences in the general population are insufficient to allow any conclusion about variant significance. To our knowledge, no occurrence of c.(3873+1_3874-1)_(3963+1_3964-1)dup in individuals affected with Cystic Fibrosis and no experimental evidence demonstrating its impact on protein function have been reported. No submitters have cited clinical-significance assessments for this variant to ClinVar after 2014. Based on the evidence outlined above, the variant was classified as uncertain significance.

NC_000007.13:g.(117282648_117292895)_(117292986_117304741)dup

Gene: CFTR (CF transmembrane conductance regulator; plus strand). Cytogenetic location: 7q31.2.
Variant type: Duplication.
Identifiers: ClinVar variation 2682384 (VCV002682384.1).